The following is an entry in ClinVar:

ClinVar aggregate classification (germline): Uncertain significance (1 of 4 stars; one submission).

Allele frequency attached by ClinVar (database versions not stated): gnomAD 0.00001; ExAC 0.00002; TOPMed 0.00002.
gnomAD v4.1: 22 of 1,612,328 alleles (0.0014%); highest among the groups gnomAD compares: Middle Eastern, 0.016%; no homozygotes.

Submission:

CeGaT Center for Human Genetics Tuebingen
Classification: Uncertain significance. Last evaluated: 2023-01-01. Review status: criteria provided, single submitter. Criteria: CeGaT Center For Human Genetics Tuebingen Variant Classification Criteria Version 2. Collection method: clinical testing. Allele origin: germline. Affected: yes. Observed: 1 variant allele.
Comment: SEPTIN12: PM2:Supporting, PP4

NM_144605.5(SEPTIN12):c.745G>A (p.Val249Met)

Gene: SEPTIN12 (septin 12; minus strand). Cytogenetic location: 16p13.3.
Variant type: single nucleotide variant.
Coding change: c.745G>A on transcript NM_144605.5 (MANE Select); coding-DNA position 745, G replaced by A.
Protein change: p.Val249Met; replaces valine 249 with methionine.
Molecular consequence: missense variant.
Genome position (GRCh38, 1-based): chr16:4,779,768, C>T on the plus strand (G>A on the coding strand, the complement: SEPTIN12 is on the minus strand). VCF-style: chr16-4779768-C-T. GRCh37 (hg19) VCF-style: chr16-4829769-C-T.
Other names: c.607G>A, p.Val203Met (NM_001154458.3); short protein forms V203M, V249M.
Identifiers: ClinVar variation 2498650 (VCV002498650.28), dbSNP rs759564248, ClinGen allele CA7881865.